The following is an entry in ClinVar:

ClinVar aggregate classification (germline): Uncertain significance. Review status: criteria provided, multiple submitters, no conflicts (2 of 4 stars). 2 submissions from 2 submitters: Uncertain significance (2). Last evaluated 2026-06-02.

Conditions:
PLXNA1-related Neurodevelopmental disorder with variable cerebral and eye anomalies.
PLXNA1-related disorder. Also called: PLXNA1-related condition.

Allele frequency attached by ClinVar (database versions not stated): ExAC 0.00001; gnomAD exomes 0.00001; TOPMed 0.00002.
gnomAD v4.1: 15 of 1,613,978 alleles (0.00093%); highest among the groups gnomAD compares: Non-Finnish European, 0.0011%; no homozygotes.

Submissions (2):

PreventionGenetics, part of Exact Sciences
Classification: Uncertain significance for PLXNA1-related condition. Last evaluated: 2026-06-02. Review status: criteria provided, single submitter. Criteria: ACMG Guidelines, 2015. Collection method: clinical testing. Allele origin: germline.
Comment: The PLXNA1 c.3166G>A variant is predicted to result in the amino acid substitution p.Glu1056Lys. To our knowledge, this variant has not been reported in the literature. This variant is reported in 0.00088% of alleles in individuals of European (Non-Finnish) descent in gnomAD. At this time, the clinical significance of this variant is uncertain due to the absence of conclusive functional and genetic evidence.

New York Genome Center
Classification: Uncertain significance for PLXNA1-related Neurodevelopmental disorder with variable cerebral and eye anomalies. Last evaluated: 2021-09-02. Review status: criteria provided, single submitter. Criteria: NYGC Assertion Criteria 2020. Collection method: clinical testing. Allele origin: germline. Observed: 1 heterozygote. Study: CSER-NYCKidSeq.
Comment: The heterozygous c.3166G>A (p.Glu1056Lys) missense variant identified in the PLXNA1 gene has not been reported in affected individuals in the literature. The variant is absent from gnomAD(v3) database and has 0.000007962 allele frequency in the gnomAD(v2) database (2 out of 251184 heterozygous alleles, no homozygotes) suggesting it is not a common benign variant in the populations represented in those databases. The affected residue is located within the IPT/TIG 3 domain [UniProtKB - Q9UIW2]. In silico tools provide conflicting predictions about potential pathogenicity of this variant (CADD score = 24.8, REVEL score =0.359). Given the lack of compelling evidence for its pathogenicity, the heterozygous c.3166G>A (p.Glu1056Lys) missense variant identified in the PLXNA1 gene is reported as a Variant of Uncertain Significance.

NM_032242.4(PLXNA1):c.3166G>A (p.Glu1056Lys)

Gene: PLXNA1 (plexin A1; plus strand). Cytogenetic location: 3q21.3.
Variant type: single nucleotide variant.
Coding change: c.3166G>A on transcript NM_032242.4 (MANE Select); coding-DNA position 3166, G replaced by A.
Protein change: p.Glu1056Lys; replaces glutamic acid 1056 with lysine.
Molecular consequence: missense variant.
Genome position (GRCh38, 1-based): chr3:127,016,668, G>A. VCF-style: chr3-127016668-G-A. GRCh37 (hg19) VCF-style: chr3-126735511-G-A.
Other names: short protein forms E1056K.
Identifiers: ClinVar variation 1696562 (VCV001696562.3), dbSNP rs773254680, ClinGen allele CA2593911.